The following is an entry in ClinVar:

ClinVar aggregate classification (germline): Benign. Review status: criteria provided, multiple submitters, no conflicts (2 of 4 stars). 2 submissions from 2 submitters: Benign (2). Last evaluated 2018-01-12.

Conditions:
Woodhouse-Sakati syndrome. Also called: Hypogonadism, Alopecia, Diabetes Mellitus, Mental Retardation, and Extrapyramidal Syndrome; Hypogonadism, diabetes mellitus, alopecia, mental retardation and electrocardiographic abnormalities; EXTRAPYRAMIDAL DISORDER, PROGRESSIVE, WITH PRIMARY HYPOGONADISM, MENTAL RETARDATION, AND ALOPECIA. Identifiers: Orphanet 3464, MedGen C0342286, MONDO:0009419, OMIM 241080.

Allele frequency attached by ClinVar (database versions not stated): gnomAD exomes 0.23072 and 0.24189; TOPMed 0.20118; gnomAD 0.20178 and 0.19821; 1000 Genomes Project 0.20647; 1000 Genomes Project 30x 0.21049; ExAC 0.26327.
gnomAD v4.1: 100,025 of 453,260 alleles (22%); highest among the groups gnomAD compares: Admixed American, 32%; 11,870 homozygotes.

Submissions (2):

Illumina Laboratory Services, Illumina
Classification: Benign for Woodhouse-Sakati syndrome. Last evaluated: 2018-01-12. Review status: criteria provided, single submitter. Criteria: ICSL Variant Classification Criteria 13 December 2019. Collection method: clinical testing. Allele origin: germline.
Comment: This variant was observed in the ICSL laboratory as part of a predisposition screen in an ostensibly healthy population. It had not been previously curated by ICSL or reported in the Human Gene Mutation Database (HGMD: prior to June 1st, 2018), and was therefore a candidate for classification through an automated scoring system. Utilizing variant allele frequency, disease prevalence and penetrance estimates, and inheritance mode, an automated score was calculated to assess if this variant is too frequent to cause the disease. Based on the score and internal cut-off values, a variant classified as benign is not then subjected to further curation. The score for this variant resulted in a classification of benign for this disease.

Breakthrough Genomics
Classification: Benign. Review status: criteria provided, single submitter. Criteria: ACMG Guidelines, 2015. Collection method: not provided. Allele origin: germline. Inheritance: Autosomal recessive inheritance. Affected: yes.

NM_025000.4(DCAF17):c.*570G>A

Gene: DCAF17 (DDB1 and CUL4 associated factor 17; plus strand). Cytogenetic location: 2q31.1.
Variant type: single nucleotide variant.
Coding change: c.*570G>A on transcript NM_025000.4 (MANE Select); 570 bases downstream of the stop codon, G replaced by A.
Molecular consequence: 3 prime UTR variant. On other transcripts: non-coding transcript variant (1).
Genome position (GRCh38, 1-based): chr2:171,481,684, G>A. VCF-style: chr2-171481684-G-A. GRCh37 (hg19) VCF-style: chr2-172338194-G-A.
Other names: c.*570G>A (NM_001164821.2).
Identifiers: ClinVar variation 332280 (VCV000332280.6), dbSNP rs3795998, ClinGen allele CA1965045.